The following is an entry in ClinVar:

NM_199242.3(UNC13D):c.321+3A>T

Gene: UNC13D (unc-13 homolog D; minus strand). Cytogenetic location: 17q25.1.
Variant type: single nucleotide variant.
Coding change: c.321+3A>T on transcript NM_199242.3 (MANE Select); 3 bases into the intron after coding-DNA position 321, A replaced by T.
Molecular consequence: intron variant.
Genome position (GRCh38, 1-based): chr17:75,843,011, T>A on the plus strand (A>T on the coding strand, the complement: UNC13D is on the minus strand). VCF-style: chr17-75843011-T-A. GRCh37 (hg19) VCF-style: chr17-73839092-T-A.
Identifiers: ClinVar variation 1375117 (VCV001375117.6), dbSNP rs2143900299, ClinGen allele CA2573154842.

ClinVar aggregate classification (germline): Uncertain significance (1 of 4 stars; one submission).

Conditions:
Familial hemophagocytic lymphohistiocytosis 3 (FHL3). Also called: UNC13D-Related Familial Hemophagocytic Lymphohistiocytosis (UNC13D-fHLH). Identifiers: Orphanet 540, MedGen C1837174, MONDO:0012146, OMIM 608898.

Submission:

Labcorp Genetics (formerly Invitae), Labcorp
Classification: Uncertain significance for Familial hemophagocytic lymphohistiocytosis 3. Last evaluated: 2022-06-13. Review status: criteria provided, single submitter. Criteria: Invitae Variant Classification Sherloc (09022015). Collection method: clinical testing. Allele origin: germline.
Comment: Variants that disrupt the consensus splice site are a relatively common cause of aberrant splicing (PMID: 17576681, 9536098). Algorithms developed to predict the effect of sequence changes on RNA splicing suggest that this variant may disrupt the consensus splice site. This variant has not been reported in the literature in individuals affected with UNC13D-related conditions. This variant is not present in population databases (gnomAD no frequency). This sequence change falls in intron 4 of the UNC13D gene. It does not directly change the encoded amino acid sequence of the UNC13D protein. It affects a nucleotide within the consensus splice site. In summary, the available evidence is currently insufficient to determine the role of this variant in disease. Therefore, it has been classified as a Variant of Uncertain Significance.

Literature cited by the submitters: PubMed 17576681; PubMed 9536098.